The following is an entry in ClinVar:

NM_002907.4(RECQL):c.1124G>C (p.Gly375Ala)

Gene: RECQL (RecQ like helicase; minus strand). Cytogenetic location: 12p12.1.
Variant type: single nucleotide variant.
Coding change: c.1124G>C on transcript NM_002907.4 (MANE Select); coding-DNA position 1124, G replaced by C.
Protein change: p.Gly375Ala; replaces glycine 375 with alanine.
Molecular consequence: missense variant.
Genome position (GRCh38, 1-based): chr12:21,475,560, C>G on the plus strand (G>C on the coding strand, the complement: RECQL is on the minus strand). VCF-style: chr12-21475560-C-G. GRCh37 (hg19) VCF-style: chr12-21628494-C-G.
Other names: c.1124G>C, p.Gly375Ala (NM_032941.3); short protein forms G375A.
Identifiers: ClinVar variation 1798728 (VCV001798728.6), dbSNP rs780969979, ClinGen allele CA6478850.

ClinVar aggregate classification (germline): Uncertain significance. Review status: criteria provided, multiple submitters, no conflicts (2 of 4 stars). 2 submissions from 2 submitters: Uncertain significance (2). Last evaluated 2023-02-23.

Allele frequency attached by ClinVar (database versions not stated): ExAC 0.00001; gnomAD 0.00001; TOPMed 0.00002.
gnomAD v4.1: 4 of 1,612,370 alleles (0.00025%); highest among the groups gnomAD compares: African/African-American, 0.0053%; no homozygotes.

Submissions (2):

Ambry Genetics
Classification: Uncertain significance. Last evaluated: 2023-02-23. Review status: criteria provided, single submitter. Criteria: Ambry Variant Classification Scheme 2023. Collection method: clinical testing. Allele origin: germline.
Comment: The p.G375A variant (also known as c.1124G>C), located in coding exon 9 of the RECQL gene, results from a G to C substitution at nucleotide position 1124. The glycine at codon 375 is replaced by alanine, an amino acid with similar properties. This amino acid position is highly conserved in available vertebrate species. In addition, this alteration is predicted to be deleterious by in silico analysis. Since supporting evidence is limited at this time, the clinical significance of this alteration remains unclear.

Labcorp Genetics (formerly Invitae), Labcorp
Classification: Uncertain significance. Last evaluated: 2022-12-23. Review status: criteria provided, single submitter. Criteria: Invitae Variant Classification Sherloc (09022015). Collection method: clinical testing. Allele origin: germline.
Comment: This sequence change replaces glycine, which is neutral and non-polar, with alanine, which is neutral and non-polar, at codon 375 of the RECQL protein (p.Gly375Ala). This variant is present in population databases (rs780969979, gnomAD 0.007%). This variant has not been reported in the literature in individuals affected with RECQL-related conditions. ClinVar contains an entry for this variant (Variation ID: 1798728). Advanced modeling of protein sequence and biophysical properties (such as structural, functional, and spatial information, amino acid conservation, physicochemical variation, residue mobility, and thermodynamic stability) performed at Invitae indicates that this missense variant is expected to disrupt RECQL protein function. In summary, the available evidence is currently insufficient to determine the role of this variant in disease. Therefore, it has been classified as a Variant of Uncertain Significance.